The following is an entry in ClinVar:

NM_001372044.2(SHANK3):c.4190C>A (p.Pro1397Gln)

Gene: SHANK3 (SH3 and multiple ankyrin repeat domains 3; plus strand). Cytogenetic location: 22q13.33.
Variant type: single nucleotide variant.
Coding change: c.4190C>A on transcript NM_001372044.2 (MANE Select); coding-DNA position 4190, C replaced by A.
Protein change: p.Pro1397Gln; replaces proline 1397 with glutamine.
Molecular consequence: missense variant.
Genome position (GRCh38, 1-based): chr22:50,721,798, C>A. VCF-style: chr22-50721798-C-A. GRCh37 (hg19) VCF-style: chr22-51160226-C-A.
Other names: c.3965C>A (NM_033517.1); short protein forms P1397Q.
Identifiers: ClinVar variation 4975156 (VCV004975156.1).

ClinVar aggregate classification (germline): Uncertain significance (1 of 4 stars; one submission).

Submission:

GeneDx
Classification: Uncertain significance. Last evaluated: 2026-03-18. Review status: criteria provided, single submitter. Criteria: GeneDx Variant Classification Process June 2021. Collection method: clinical testing. Allele origin: germline.
Comment: Not observed at significant frequency in large population cohorts (gnomAD); Has not been previously published as pathogenic or benign to our knowledge; In silico analysis does not support a benign or deleterious effect of this variant on protein structure/function